The following is an entry in ClinVar:

NM_000059.4(BRCA2):c.1366G>T (p.Glu456Ter)

Gene: BRCA2 (BRCA2 DNA repair associated; plus strand). Cytogenetic location: 13q13.1.
Variant type: single nucleotide variant.
Coding change: c.1366G>T on transcript NM_000059.4 (MANE Select); coding-DNA position 1366, G replaced by T.
Protein change: p.Glu456Ter; replaces glutamic acid 456 with a stop codon.
Molecular consequence: nonsense.
Genome position (GRCh38, 1-based): chr13:32,332,844, G>T. VCF-style: chr13-32332844-G-T. GRCh37 (hg19) VCF-style: chr13-32906981-G-T.
Other names: short protein forms E456*.
Identifiers: ClinVar variation 951337 (VCV000951337.11), dbSNP rs778142232, ClinGen allele CA387762884.

ClinVar aggregate classification (germline): Pathogenic. Review status: criteria provided, multiple submitters, no conflicts (2 of 4 stars). 3 submissions from 3 submitters: Pathogenic (3). Last evaluated 2024-06-21.

Conditions:
Hereditary breast ovarian cancer syndrome. Also called: Hereditary breast and ovarian cancer syndrome; Hereditary breast and ovarian cancer syndrome (HBOC); Hereditary breast and/or ovarian cancer syndrome; Hereditary breast and ovarian cancer; BRCA1- and BRCA2-Associated Hereditary Breast and Ovarian Cancer; Breast and ovarian cancer. Identifiers: Orphanet 145, MedGen C0677776, MeSH D061325, MONDO:0003582. Disease mechanism: loss of function.
Fanconi anemia complementation group D1. Also called: BRCA2-Related Fanconi Anemia. Identifiers: Orphanet 319462, MedGen C1838457, MONDO:0011584, OMIM 605724.
Medulloblastoma (MDB). Also called: Medulloblastoma, somatic; MEDULLOBLASTOMA PREDISPOSITION SYNDROME. Identifiers: Orphanet 616, MedGen C0025149, MeSH D008527, MONDO:0007959, OMIM 155255, HP:0002885.
Familial cancer of breast. Also called: BREAST CANCER, FAMILIAL; Hereditary breast cancer; hereditary breast carcinoma. Identifiers: Orphanet 227535, MedGen C0346153, MONDO:0016419, OMIM 114480. Disease mechanism: loss of function.
Breast-ovarian cancer, familial, susceptibility to, 2 (BROVCA2). Also called: BRCA2 Hereditary Breast and Ovarian Cancer. Identifiers: Orphanet 145, MedGen C2675520, MONDO:0012933, OMIM 612555. Disease mechanism: loss of function.
Pancreatic cancer, susceptibility to, 2. Identifiers: Orphanet 1333, MedGen C3150546, MONDO:0013235, OMIM 613347.
Glioma susceptibility 3 (GLM3). Also called: Glioblastoma 3. Identifiers: Orphanet 182067, Orphanet 360, MedGen C2751641, MONDO:0013093, OMIM 613029.
Familial prostate cancer. Also called: Hereditary Prostate Cancer. Identifiers: MedGen C2931456, MONDO:0700275, OMIM 176807.
Wilms tumor 1 (WT1). Also called: Wilms tumor, somatic. Identifiers: Orphanet 654, MedGen CN033288, MONDO:0008679, OMIM 194070.
Hereditary cancer-predisposing syndrome. Also called: Neoplastic Syndromes, Hereditary; Hereditary neoplastic syndrome; Tumor predisposition; Hereditary Cancer Syndrome. Identifiers: Orphanet 140162, MedGen C0027672, MeSH D009386, MONDO:0015356.

Submissions (3):

Labcorp Genetics (formerly Invitae), Labcorp
Classification: Pathogenic for Hereditary breast ovarian cancer syndrome. Last evaluated: 2024-06-21. Review status: criteria provided, single submitter. Criteria: Invitae Variant Classification Sherloc (09022015). Collection method: clinical testing. Allele origin: germline.
Comment: This sequence change creates a premature translational stop signal (p.Glu456*) in the BRCA2 gene. It is expected to result in an absent or disrupted protein product. Loss-of-function variants in BRCA2 are known to be pathogenic (PMID: 20104584). This variant is not present in population databases (gnomAD no frequency). This variant has not been reported in the literature in individuals affected with BRCA2-related conditions. ClinVar contains an entry for this variant (Variation ID: 951337). For these reasons, this variant has been classified as Pathogenic.

Fulgent Genetics
Classification: Pathogenic for Familial cancer of breast; Medulloblastoma; Familial prostate cancer; Wilms tumor 1; Fanconi anemia complementation group D1; Breast-ovarian cancer, familial, susceptibility to, 2; Glioma susceptibility 3; Pancreatic cancer, susceptibility to, 2. Last evaluated: 2024-03-12. Review status: criteria provided, single submitter. Criteria: ACMG Guidelines, 2015. Collection method: clinical testing. Allele origin: germline.

Ambry Genetics
Classification: Pathogenic for Hereditary cancer-predisposing syndrome. Last evaluated: 2023-07-31. Review status: criteria provided, single submitter. Criteria: Ambry Variant Classification Scheme 2023. Collection method: clinical testing. Allele origin: germline.
Comment: The p.E456* pathogenic mutation (also known as c.1366G>T), located in coding exon 9 of the BRCA2 gene, results from a G to T substitution at nucleotide position 1366. This changes the amino acid from a glutamic acid to a stop codon within coding exon 9. This variant is considered to be rare based on population cohorts in the Genome Aggregation Database (gnomAD). This alteration is expected to result in loss of function by premature protein truncation or nonsense-mediated mRNA decay. As such, this alteration is interpreted as a disease-causing mutation.

Literature cited by the submitters: PubMed 20104584 (cited by Labcorp Genetics (formerly Invitae), Labcorp).